The following is an entry in ClinVar:

NM_021076.4(NEFH):c.795C>G (p.Cys265Trp)

Gene: NEFH (neurofilament heavy chain; plus strand). Cytogenetic location: 22q12.2.
Variant type: single nucleotide variant.
Coding change: c.795C>G on transcript NM_021076.4 (MANE Select); coding-DNA position 795, C replaced by G.
Protein change: p.Cys265Trp; replaces cysteine 265 with tryptophan.
Molecular consequence: missense variant.
Genome position (GRCh38, 1-based): chr22:29,481,057, C>G. VCF-style: chr22-29481057-C-G. GRCh37 (hg19) VCF-style: chr22-29877046-C-G.
Other names: short protein forms C265W.
Identifiers: ClinVar variation 3349102 (VCV003349102.1).
Genomic context (GRCh38, chr22:29,481,057, plus strand): 5'-CCAGGGCTCCGGCGCCGCGCAGGCGCAGATGCAGGCCGAGACGCGCGACGCCCTGAAGTG[C>G]GACGTGACGTCGGCGCTGCGCGAGATTCGCGCGCAGCTTGAAGGCCACGCGGTGCAGAGC-3'
Protein context (NP_066554.2, residues 255-275): MQAETRDALK[Cys265Trp]DVTSALREIR

ClinVar aggregate classification (germline): Uncertain significance (0 of 4 stars; one submission).

Conditions:
NEFH-related disorder. Also called: NEFH-related condition.

Submission:

PreventionGenetics, part of Exact Sciences
Classification: Uncertain significance for NEFH-related condition. Last evaluated: 2024-03-12. Review status: no assertion criteria provided. Collection method: clinical testing. Allele origin: germline.
Comment: The NEFH c.795C>G variant is predicted to result in the amino acid substitution p.Cys265Trp. To our knowledge, this variant has not been reported in the literature. This variant is reported in 0.0041% of alleles in individuals of Latino descent in gnomAD. At this time, the clinical significance of this variant is uncertain due to the absence of conclusive functional and genetic evidence.